The following is an entry in ClinVar:

NM_004448.4(ERBB2):c.1874C>T (p.Pro625Leu)

Gene: ERBB2 (erb-b2 receptor tyrosine kinase 2; plus strand). Cytogenetic location: 17q12.
Variant type: single nucleotide variant.
Coding change: c.1874C>T on transcript NM_004448.4 (MANE Select); coding-DNA position 1874, C replaced by T.
Protein change: p.Pro625Leu; replaces proline 625 with leucine.
Molecular consequence: missense variant. On other transcripts: non-coding transcript variant (1), intron variant (1).
Genome position (GRCh38, 1-based): chr17:39,717,456, C>T. VCF-style: chr17-39717456-C-T. GRCh37 (hg19) VCF-style: chr17-37873709-C-T.
Other names: c.1829C>T, p.Pro610Leu (NM_001289936.2); c.1874C>T, p.Pro625Leu (NM_001289937.2, NM_001382792.1, NM_001382793.1 and 9 more transcripts); c.1784C>T, p.Pro595Leu (NM_001289938.2, NM_001382782.1, NM_001382783.1 and 1 more transcripts); c.1991C>T, p.Pro664Leu (NM_001382784.1, NM_001382786.1); c.1976C>T, p.Pro659Leu (NM_001382785.1); c.1949C>T, p.Pro650Leu (NM_001382787.1); c.1904C>T, p.Pro635Leu (NM_001382788.1); c.1895C>T, p.Pro632Leu (NM_001382789.1); and 6 more; short protein forms P595L, P624L, P565L, P610L, P635L, P650L, P625L, P659L.
Identifiers: ClinVar variation 1491364 (VCV001491364.6), dbSNP rs759078493, ClinGen allele CA8534130.

ClinVar aggregate classification (germline): Uncertain significance (1 of 4 stars; one submission).

Allele frequency attached by ClinVar (database versions not stated): gnomAD 0.00001; ExAC 0.00004; gnomAD exomes 0.00005 and 0.00009; TOPMed 0.00008.
gnomAD v4.1: 29 of 1,613,114 alleles (0.0018%); highest among the groups gnomAD compares: Admixed American, 0.047%; no homozygotes.

Submission:

Labcorp Genetics (formerly Invitae), Labcorp
Classification: Uncertain significance. Last evaluated: 2024-08-21. Review status: criteria provided, single submitter. Criteria: Invitae Variant Classification Sherloc (09022015). Collection method: clinical testing. Allele origin: germline.
Comment: This sequence change replaces proline, which is neutral and non-polar, with leucine, which is neutral and non-polar, at codon 625 of the ERBB2 protein (p.Pro625Leu). This variant is present in population databases (rs759078493, gnomAD 0.07%), and has an allele count higher than expected for a pathogenic variant. This variant has not been reported in the literature in individuals affected with ERBB2-related conditions. ClinVar contains an entry for this variant (Variation ID: 1491364). An algorithm developed to predict the effect of missense changes on protein structure and function outputs the following: PolyPhen-2: "Benign". The leucine amino acid residue is found in multiple mammalian species, which suggests that this missense change does not adversely affect protein function. In summary, the available evidence is currently insufficient to determine the role of this variant in disease. Therefore, it has been classified as a Variant of Uncertain Significance.